The following is an entry in ClinVar:

ClinVar aggregate classification (germline): Likely pathogenic (1 of 4 stars; one submission).

Conditions:
Sitosterolemia (STSL). Also called: PHYTOSTEROLEMIA. Identifiers: Orphanet 2882, MedGen C0342907, MONDO:0008863.

Submission:

Labcorp Genetics (formerly Invitae), Labcorp
Classification: Likely pathogenic for Sitosterolemia. Last evaluated: 2025-09-23. Review status: criteria provided, single submitter. Criteria: Invitae Variant Classification Sherloc (09022015). Collection method: clinical testing. Allele origin: germline.
Comment: This sequence change affects a donor splice site in intron 2 of the ABCG5 gene. It is expected to disrupt RNA splicing. Variants that disrupt the donor or acceptor splice site typically lead to a loss of protein function (PMID: 16199547), and loss-of-function variants in ABCG5 are known to be pathogenic (PMID: 11138003, 25665839). This variant is not present in population databases (gnomAD no frequency). This variant has not been reported in the literature in individuals affected with ABCG5-related conditions. Algorithms developed to predict the effect of sequence changes on RNA splicing suggest that this variant may disrupt the consensus splice site. In summary, the currently available evidence indicates that the variant is pathogenic, but additional data are needed to prove that conclusively. Therefore, this variant has been classified as Likely Pathogenic.

Literature cited by the submitters: PubMed 16199547; PubMed 11138003; PubMed 25665839.

NM_022436.3(ABCG5):c.265+1G>A

Gene: ABCG5 (ATP binding cassette subfamily G member 5; minus strand). Cytogenetic location: 2p21.
Variant type: single nucleotide variant.
Coding change: c.265+1G>A on transcript NM_022436.3 (MANE Select); the canonical splice donor site of the intron after coding-DNA position 265, G replaced by A.
Molecular consequence: splice donor variant.
Genome position (GRCh38, 1-based): chr2:43,837,833, C>T on the plus strand (G>A on the coding strand, the complement: ABCG5 is on the minus strand). VCF-style: chr2-43837833-C-T. GRCh37 (hg19) VCF-style: chr2-44064972-C-T.
Identifiers: ClinVar variation 4727705 (VCV004727705.1).